The following is an entry in ClinVar:

NM_004360.5(CDH1):c.388-1G>T

Gene: CDH1 (cadherin 1; plus strand). Cytogenetic location: 16q22.1.
Variant type: single nucleotide variant.
Coding change: c.388-1G>T on transcript NM_004360.5 (MANE Select); the canonical splice acceptor site of the intron before coding-DNA position 388, G replaced by T.
Molecular consequence: splice acceptor variant.
Genome position (GRCh38, 1-based): chr16:68,808,423, G>T. VCF-style: chr16-68808423-G-T. GRCh37 (hg19) VCF-style: chr16-68842326-G-T.
Other names: c.-1228-1G>T (NM_001317185.2); c.-1432-1G>T (NM_001317186.2); c.388-1G>T (NM_001317184.2).
Identifiers: ClinVar variation 2770546 (VCV002770546.3), dbSNP rs2152129577, ClinGen allele CA396457516.

ClinVar aggregate classification (germline): Likely pathogenic (1 of 4 stars; one submission).

Conditions:
Hereditary diffuse gastric adenocarcinoma (HDGC). Also called: DIFFUSE GASTRIC AND LOBULAR BREAST CANCER SYNDROME. Identifiers: Orphanet 26106, MedGen C1708349, MONDO:0007648, OMIM 137215.

Submission:

Labcorp Genetics (formerly Invitae), Labcorp
Classification: Likely pathogenic for Hereditary diffuse gastric adenocarcinoma. Last evaluated: 2024-11-22. Review status: criteria provided, single submitter. Criteria: Invitae Variant Classification Sherloc (09022015). Collection method: clinical testing. Allele origin: germline.
Comment: This sequence change affects an acceptor splice site in intron 3 of the CDH1 gene. RNA analysis indicates that disruption of this splice site induces altered splicing and may result in an absent or altered protein product. This variant is not present in population databases (gnomAD no frequency). This variant has not been reported in the literature in individuals affected with CDH1-related conditions. ClinVar contains an entry for this variant (Variation ID: 2770546). Studies have shown that disruption of this splice site results in activation of a cryptic splice site, and produces a non-functional protein and/or introduces a premature termination codon (internal data). In summary, the currently available evidence indicates that the variant is pathogenic, but additional data are needed to prove that conclusively. Therefore, this variant has been classified as Likely Pathogenic.